The following is an entry in ClinVar:

NM_000211.5(ITGB2):c.1590C>T (p.Tyr530=)

Gene: ITGB2 (integrin subunit beta 2; minus strand). Cytogenetic location: 21q22.3.
Variant type: single nucleotide variant.
Coding change: c.1590C>T on transcript NM_000211.5 (MANE Select); coding-DNA position 1590, C replaced by T.
Protein change: p.Tyr530=; no amino-acid change (tyrosine 530 retained).
Molecular consequence: synonymous variant.
Genome position (GRCh38, 1-based): chr21:44,890,045, G>A on the plus strand (C>T on the coding strand, the complement: ITGB2 is on the minus strand). VCF-style: chr21-44890045-G-A. GRCh37 (hg19) VCF-style: chr21-46309960-G-A.
Other names: c.1590C>T, p.Tyr530= (NM_001127491.3); c.1383C>T, p.Tyr461= (NM_001303238.2).
Identifiers: ClinVar variation 762573 (VCV000762573.13), dbSNP rs143914741, ClinGen allele CA10062778.

ClinVar aggregate classification (germline): Likely benign. Review status: criteria provided, single submitter (1 of 4 stars). 2 submissions from 2 submitters: Likely benign (1). 1 of the submissions does not count toward it. Last evaluated 2025-11-20.

Conditions:
ITGB2-related disorder. Also called: ITGB2-related condition.
Leukocyte adhesion deficiency 1 (LAD1). Also called: LEUKOCYTE ADHESION DEFICIENCY, TYPE I; LAD 1; Lymphocyte function-associated antigen 1 immunodeficiency; LFA 1 immunodeficiency. Identifiers: Orphanet 2968, Orphanet 99842, MedGen C0398738, MONDO:0007293, OMIM 116920.

Allele frequency attached by ClinVar (database versions not stated): gnomAD 0.00003 and 0.00004; gnomAD exomes 0.00004 and 0.00008; ExAC 0.00007; TOPMed 0.00009; 1000 Genomes Project 30x 0.00031; 1000 Genomes Project 0.00040.

Submissions (2):

Labcorp Genetics (formerly Invitae), Labcorp
Classification: Likely benign for Leukocyte adhesion deficiency 1. Last evaluated: 2025-11-20. Review status: criteria provided, single submitter. Criteria: Invitae Variant Classification Sherloc (09022015). Collection method: clinical testing. Allele origin: germline.

PreventionGenetics, part of Exact Sciences
Classification: Likely benign for ITGB2-related condition. Last evaluated: 2019-07-17. Review status: no assertion criteria provided. Collection method: clinical testing. Allele origin: germline. Not counted in ClinVar's aggregate classification.
Comment: This variant is classified as likely benign based on ACMG/AMP sequence variant interpretation guidelines (Richards et al. 2015 PMID: 25741868, with internal and published modifications).